The following is an entry in ClinVar:

ClinVar aggregate classification (germline): Uncertain significance. Review status: criteria provided, multiple submitters, no conflicts (2 of 4 stars). 2 submissions from 2 submitters: Uncertain significance (2). Last evaluated 2023-06-01.

Allele frequency attached by ClinVar (database versions not stated): ExAC 0.00001; gnomAD 0.00001; TOPMed 0.00001.

Submissions (2):

CeGaT Center for Human Genetics Tuebingen
Classification: Uncertain significance. Last evaluated: 2023-06-01. Review status: criteria provided, single submitter. Criteria: CeGaT Center For Human Genetics Tuebingen Variant Classification Criteria Version 2. Collection method: clinical testing. Allele origin: germline. Affected: yes. Observed: 1 variant allele.
Comment: POU4F1: PM2:Supporting, PP3

Ambry Genetics
Classification: Uncertain significance. Last evaluated: 2021-06-11. Review status: criteria provided, single submitter. Criteria: Ambry Variant Classification Scheme 2023. Collection method: clinical testing. Allele origin: germline.

NM_006237.4(POU4F1):c.1191C>G (p.Asn397Lys)

Genes: OBI1-AS1 (OBI1 antisense RNA 1; plus strand), POU4F1 (POU class 4 homeobox 1; minus strand). Cytogenetic location: 13q31.1.
Variant type: single nucleotide variant.
Coding change: c.1191C>G on transcript NM_006237.4 (MANE Select); coding-DNA position 1191, C replaced by G.
Protein change: p.Asn397Lys; replaces asparagine 397 with lysine.
Molecular consequence: missense variant.
Genome position (GRCh38, 1-based): chr13:78,601,484, G>C on the plus strand (C>G on the coding strand, the complement: POU4F1 is on the minus strand). VCF-style: chr13-78601484-G-C. GRCh37 (hg19) VCF-style: chr13-79175619-G-C.
Other names: short protein forms N397K.
Identifiers: ClinVar variation 2232505 (VCV002232505.26), dbSNP rs745865977, ClinGen allele CA7012516.
Genomic context (GRCh38, chr13:78,601,484, plus strand): 5'-GGCAGAGAATTTCATCCGCTTCTGCTTCTGTCTCTGGTTGCAAAACCACACCCGCACCAC[G>C]TTCTTTTTGAGGTCCAGTTTCTCGGCGATGGCGGCGATCTTCTCGGACGAGGGCCGGGGC-3'
Protein context (NP_006228.3, residues 387-407): AIAEKLDLKK[Asn397Lys]VVRVWFCNQR